The following is an entry in ClinVar:

NM_032634.4(PIGO):c.2679G>A (p.Ser893=)

Gene: PIGO (phosphatidylinositol glycan anchor biosynthesis class O; minus strand). Cytogenetic location: 9p13.3.
Variant type: single nucleotide variant.
Coding change: c.2679G>A on transcript NM_032634.4 (MANE Select); coding-DNA position 2679, G replaced by A.
Protein change: p.Ser893=; no amino-acid change (serine 893 retained).
Molecular consequence: synonymous variant.
Genome position (GRCh38, 1-based): chr9:35,090,641, C>T on the plus strand (G>A on the coding strand, the complement: PIGO is on the minus strand). VCF-style: chr9-35090641-C-T. GRCh37 (hg19) VCF-style: chr9-35090638-C-T.
Other names: c.1428G>A, p.Ser476= (NM_001201484.2, NM_152850.4).
Identifiers: ClinVar variation 384866 (VCV000384866.11), dbSNP rs376154801, ClinGen allele CA5040361.

ClinVar aggregate classification (germline): Likely benign. Review status: criteria provided, multiple submitters, no conflicts (2 of 4 stars). 2 submissions from 2 submitters: Likely benign (2). Last evaluated 2025-08-25.

Conditions:
Hyperphosphatasia with impaired intellectual development syndrome 2. Also called: GLYCOSYLPHOSPHATIDYLINOSITOL BIOSYNTHESIS DEFECT 6; Hyperphosphatasia with intellectual disability syndrome 2. Identifiers: Orphanet 247262, MedGen C3553637, MONDO:0013882, OMIM 614749.

Allele frequency attached by ClinVar (database versions not stated): ExAC 0.00002; TOPMed 0.00005; gnomAD 0.00003; ESP Exome Variant Server 0.00008.
gnomAD v4.1: 15 of 1,613,992 alleles (0.00093%); highest among the groups gnomAD compares: African/African-American, 0.0067%; no homozygotes.

Submissions (2):

Labcorp Genetics (formerly Invitae), Labcorp
Classification: Likely benign for Hyperphosphatasia with impaired intellectual development syndrome 2. Last evaluated: 2025-08-25. Review status: criteria provided, single submitter. Criteria: Invitae Variant Classification Sherloc (09022015). Collection method: clinical testing. Allele origin: germline.

GeneDx
Classification: Likely benign. Last evaluated: 2016-03-29. Review status: criteria provided, single submitter. Criteria: GeneDx Variant Classification (06012015). Collection method: clinical testing. Allele origin: germline. Affected: yes.
Comment: This variant is considered likely benign or benign based on one or more of the following criteria: it is a conservative change, it occurs at a poorly conserved position in the protein, it is predicted to be benign by multiple in silico algorithms, and/or has population frequency not consistent with disease.